The following is an entry in ClinVar:

ClinVar aggregate classification (germline): Uncertain significance (1 of 4 stars; one submission).

Conditions:
TRIP12-related disorder. Also called: TRIP12-related condition.

gnomAD v4.1: 1 of 1,613,222 alleles (0.000062%); highest among the groups gnomAD compares: Non-Finnish European, 0.000085%; no homozygotes.

Submission:

PreventionGenetics, part of Exact Sciences
Classification: Uncertain significance for TRIP12-related condition. Last evaluated: 2025-10-22. Review status: criteria provided, single submitter. Criteria: ACMG Guidelines, 2015. Collection method: clinical testing. Allele origin: germline.
Comment: The TRIP12 c.4608G>C variant is predicted to result in the amino acid substitution p.Leu1536Phe. To our knowledge, this variant has not been reported in the literature or in a large population database (gnomAD), indicating this variant is rare. At this time, the clinical significance of this variant is uncertain due to the absence of conclusive functional and genetic evidence.

NM_001348323.3(TRIP12):c.4689G>C (p.Leu1563Phe)

Gene: TRIP12 (thyroid hormone receptor interactor 12; minus strand). Cytogenetic location: 2q36.3.
Variant type: single nucleotide variant.
Coding change: c.4689G>C on transcript NM_001348323.3 (MANE Select); coding-DNA position 4689, G replaced by C.
Protein change: p.Leu1563Phe; replaces leucine 1563 with phenylalanine.
Molecular consequence: missense variant.
Genome position (GRCh38, 1-based): chr2:229,789,617, C>G on the plus strand (G>C on the coding strand, the complement: TRIP12 is on the minus strand). VCF-style: chr2-229789617-C-G. GRCh37 (hg19) VCF-style: chr2-230654333-C-G.
Other names: c.4608G>C, p.Leu1536Phe (NM_001284214.2, NM_001348315.2); c.4563G>C, p.Leu1521Phe (NM_001284215.2, NM_001348316.2); c.3654G>C, p.Leu1218Phe (NM_001284216.2); c.4548G>C, p.Leu1516Phe (NM_001348317.1, NM_001348318.2); c.4674G>C, p.Leu1558Phe (NM_001348319.1, NM_001348320.2); c.4677G>C, p.Leu1559Phe (NM_001348321.1); c.4689G>C, p.Leu1563Phe (NM_001348322.1, NM_001348324.2, NM_001348325.2 and 2 more transcripts); c.4692G>C, p.Leu1564Phe (NM_001348328.1, NM_001348329.2, NM_001348330.2); and 4 more; short protein forms L1489F, L1558F, L1559F, L1218F, L1537F, L1564F, L1516F, L1529F.
Identifiers: ClinVar variation 4983186 (VCV004983186.1).